The following is an entry in ClinVar:

ClinVar aggregate classification (germline): Uncertain significance (1 of 4 stars; one submission).

Allele frequency attached by ClinVar (database versions not stated): gnomAD 0.00001.
gnomAD v4.1: 8 of 1,599,818 alleles (0.0005%); highest among the groups gnomAD compares: Admixed American, 0.0054%; no homozygotes.

Submission:

Labcorp Genetics (formerly Invitae), Labcorp
Classification: Uncertain significance. Last evaluated: 2022-09-05. Review status: criteria provided, single submitter. Criteria: Invitae Variant Classification Sherloc (09022015). Collection method: clinical testing. Allele origin: germline.
Comment: This variant is present in population databases (rs765607840, gnomAD 0.007%). This sequence change replaces arginine, which is basic and polar, with glutamine, which is neutral and polar, at codon 974 of the SUCO protein (p.Arg974Gln). This variant has not been reported in the literature in individuals affected with SUCO-related conditions. In summary, the available evidence is currently insufficient to determine the role of this variant in disease. Therefore, it has been classified as a Variant of Uncertain Significance. Algorithms developed to predict the effect of missense changes on protein structure and function are either unavailable or do not agree on the potential impact of this missense change (SIFT: "Tolerated"; PolyPhen-2: "Probably Damaging"; Align-GVGD: "Class C0").

NM_014283.5(SUCO):c.2921G>A (p.Arg974Gln)

Gene: SUCO (SUN domain containing ossification factor; plus strand). Cytogenetic location: 1q24.3.
Variant type: single nucleotide variant.
Coding change: c.2921G>A on transcript NM_014283.5 (MANE Select); coding-DNA position 2921, G replaced by A.
Protein change: p.Arg974Gln; replaces arginine 974 with glutamine.
Molecular consequence: missense variant.
Genome position (GRCh38, 1-based): chr1:172,600,071, G>A. VCF-style: chr1-172600071-G-A. GRCh37 (hg19) VCF-style: chr1-172569211-G-A.
Other names: c.1808G>A, p.Arg603Gln (NM_001282750.2); c.1232G>A, p.Arg411Gln (NM_001282751.2); c.3374G>A, p.Arg1125Gln (NM_016227.4); short protein forms R1125Q, R603Q, R974Q, R411Q.
Identifiers: ClinVar variation 2075568 (VCV002075568.4), dbSNP rs765607840, ClinGen allele CA1247178.
Genomic context (GRCh38, chr1:172,600,071, plus strand): 5'-ATGTTAATAGTTTGTAGTTAATATTCAAAAAAAAATAAATTCCTTTATCATAGGATCAGC[G>A]GCAAACTGAAGCCATCCAGTTGCTACAGGCACAGCTGACCAACATGACACAGCTTGTTTC-3'
Protein context (NP_055098.1, residues 964-984): TSRIAEEQDQ[Arg974Gln]QTEAIQLLQA